The following is an entry in ClinVar:

ClinVar aggregate classification (germline): Conflicting classifications of pathogenicity. Review status: criteria provided, conflicting classifications (1 of 4 stars). 5 submissions from 5 submitters: Uncertain significance (3); Likely benign (2). Last evaluated 2025-11-25.

Conditions:
LAMA2-related disorder. Also called: LAMA2-related disorders; LAMA2-related condition.
Inborn genetic diseases. Identifiers: MedGen C0950123, MeSH D030342.
LAMA2-related muscular dystrophy (LAMA2-RD). Also called: Laminin alpha 2-related dystrophy. Identifiers: MedGen C5679788, MONDO:0100228.

Allele frequency attached by ClinVar (database versions not stated): gnomAD exomes 0.00003 and 0.00012; gnomAD 0.00006; TOPMed 0.00009; ExAC 0.00012; 1000 Genomes Project 30x 0.00016; 1000 Genomes Project 0.00020.
gnomAD v4.1: 50 of 1,614,192 alleles (0.0031%); highest among the groups gnomAD compares: East Asian, 0.1%; no homozygotes.

Submissions (5):

Labcorp Genetics (formerly Invitae), Labcorp
Classification: Likely benign for LAMA2-related muscular dystrophy. Last evaluated: 2025-11-25. Review status: criteria provided, single submitter. Criteria: Invitae Variant Classification Sherloc (09022015). Collection method: clinical testing. Allele origin: germline.

PreventionGenetics, part of Exact Sciences
Classification: Uncertain significance for LAMA2-related condition. Last evaluated: 2025-08-29. Review status: criteria provided, single submitter. Criteria: ACMG Guidelines, 2015. Collection method: clinical testing. Allele origin: germline.
Comment: The LAMA2 c.3616A>G variant is predicted to result in the amino acid substitution p.Thr1206Ala. To our knowledge, this variant has not been reported in the literature. This variant is reported in 0.17% of alleles in individuals of East Asian descent in gnomAD. Although we suspect that this variant may be benign, at this time, the clinical significance of this variant is uncertain due to the absence of conclusive functional and genetic evidence.

Mayo Clinic Laboratories, Mayo Clinic
Classification: Uncertain significance. Last evaluated: 2025-07-11. Review status: criteria provided, single submitter. Criteria: ACMG Guidelines, 2015. Collection method: clinical testing. Allele origin: germline. Observed: 1 variant allele.

Blueprint Genetics
Classification: Uncertain significance. Last evaluated: 2024-11-05. Review status: criteria provided, single submitter. Criteria: ACMG Guidelines, 2015. Collection method: clinical testing. Allele origin: germline.

Ambry Genetics
Classification: Likely benign for Inborn genetic diseases. Last evaluated: 2021-08-30. Review status: criteria provided, single submitter. Criteria: Ambry Variant Classification Scheme 2023. Collection method: clinical testing. Allele origin: germline.

NM_000426.4(LAMA2):c.3616A>G (p.Thr1206Ala)

Gene: LAMA2 (laminin subunit alpha 2; plus strand). Cytogenetic location: 6q22.33.
Variant type: single nucleotide variant.
Coding change: c.3616A>G on transcript NM_000426.4 (MANE Select); coding-DNA position 3616, A replaced by G.
Protein change: p.Thr1206Ala; replaces threonine 1206 with alanine.
Molecular consequence: missense variant.
Genome position (GRCh38, 1-based): chr6:129,315,536, A>G. VCF-style: chr6-129315536-A-G. GRCh37 (hg19) VCF-style: chr6-129636681-A-G.
Other names: p.Thr1206Ala; c.3616A>G, p.Thr1206Ala (NM_001079823.2); short protein forms T1206A.
Identifiers: ClinVar variation 967670 (VCV000967670.14), dbSNP rs190362395, ClinGen allele CA3993319.
Genomic context (GRCh38, chr6:129,315,536, plus strand): 5'-GTGACTCTGAAGGCTGAGCAGACCATTCTACCCCTGGTAGATGAGGCTCTGCAGCACACG[A>G]CCACCAAGGGCATTGTTTTTCAACATCCAGAGATTGTTGCCCACATGGACCTGATGAGAG-3'
Protein context (NP_000417.3, residues 1196-1216): PLVDEALQHT[Thr1206Ala]TKGIVFQHPE